The following is an entry in ClinVar:

NM_001374828.1(ARID1B):c.1494del (p.Thr499fs)

Gene: ARID1B (AT-rich interaction domain 1B; plus strand). Cytogenetic location: 6q25.3.
Variant type: Deletion.
Coding change: c.1494del on transcript NM_001374828.1 (MANE Select); coding-DNA position 1494, one base deleted (C; older notation c.1494delC).
Protein change: p.Thr499fs; shifts the reading frame from threonine 499.
Molecular consequence: frameshift variant.
Genome position (GRCh38, 1-based): chr6:156,779,174, C deleted; the last of 2 consecutive C bases (chr6:156,779,173-156,779,174); deleting either gives the same sequence. VCF-style (leftmost placement, unchanged base first): chr6-156779172-GC-G. GRCh37 (hg19) VCF-style: chr6-157100306-GC-G.
Other names: c.1245delC (NM_020732.3); c.1494del, p.Thr499fs (NM_001371656.1, NM_001374820.1, NM_017519.3); short protein forms T499fs.
Identifiers: ClinVar variation 280516 (VCV000280516.2), dbSNP rs886041707, ClinGen allele CA10602997.

ClinVar aggregate classification (germline): Pathogenic (1 of 4 stars; one submission).

Submission:

GeneDx
Classification: Pathogenic. Last evaluated: 2017-05-08. Review status: criteria provided, single submitter. Criteria: GeneDx Variant Classification (06012015). Collection method: clinical testing. Allele origin: germline. Affected: yes.
Comment: The c.1245delC pathogenic variant in the ARID1B gene has not been reported previously as a pathogenic variant nor as a benign variant, to our knowledge. The c.1245delC variant causes a frameshift starting with Threonine 416, changes this amino acid to a Proline residue, and creates a premature Stop codon at position 14 of the new reading frame, denoted p.Thr416ProfsX14. This variant is predicted to cause loss of normal protein function either through protein truncation or nonsense-mediated mRNA decay. The c.1245delC variant was not observed in approximately 5300 individuals of European and African American ancestry in the NHLBI Exome Sequencing Project, indicating it is not a common benign variant in these populations. We interpret c.1245delC as a pathogenic variant.